The following is an entry in ClinVar:

ClinVar aggregate classification (germline): Uncertain significance (1 of 4 stars; one submission).

Conditions:
Inborn genetic diseases. Identifiers: MedGen C0950123, MeSH D030342.

gnomAD v4.1: 3 of 1,611,714 alleles (0.00019%); highest among the groups gnomAD compares: Non-Finnish European, 0.00025%; no homozygotes.

Submission:

Ambry Genetics
Classification: Uncertain significance for Inborn genetic diseases. Last evaluated: 2025-02-06. Review status: criteria provided, single submitter. Criteria: Ambry Variant Classification Scheme 2023. Collection method: clinical testing. Allele origin: germline.
Comment: The p.S191I variant (also known as c.572G>T), located in coding exon 5 of the PAX5 gene, results from a G to T substitution at nucleotide position 572. The serine at codon 191 is replaced by isoleucine, an amino acid with dissimilar properties. This amino acid position is conserved. In addition, the in silico prediction for this alteration is inconclusive. Based on the available evidence, the clinical significance of this variant remains unclear.

NM_016734.3(PAX5):c.572G>T (p.Ser191Ile)

Genes: PAX5 (paired box 5; minus strand), LOC105376032 (uncharacterized LOC105376032; plus strand). Cytogenetic location: 9p13.2.
Variant type: single nucleotide variant.
Coding change: c.572G>T on transcript NM_016734.3 (MANE Select); coding-DNA position 572, G replaced by T.
Protein change: p.Ser191Ile; replaces serine 191 with isoleucine.
Molecular consequence: missense variant. On other transcripts: non-coding transcript variant (2), intron variant (2).
Genome position (GRCh38, 1-based): chr9:37,002,680, C>A on the plus strand (G>T on the coding strand, the complement: PAX5 is on the minus strand). VCF-style: chr9-37002680-C-A. GRCh37 (hg19) VCF-style: chr9-37002677-C-A.
Other names: c.572G>T, p.Ser191Ile (NM_001280547.2, NM_001280548.2, NM_001280549.2 and 2 more transcripts); c.248G>T, p.Ser83Ile (NM_001280551.2, NM_001280556.2); c.374G>T, p.Ser125Ile (NM_001280555.2); c.475+3793G>T (NM_001280553.2, NM_001280554.2); short protein forms S191I, S125I, S83I.
Identifiers: ClinVar variation 3885948 (VCV003885948.1).